The following is an entry in ClinVar:

ClinVar aggregate classification (germline): Pathogenic (1 of 4 stars; one submission).

Conditions:
Alpha-N-acetylgalactosaminidase deficiency. Identifiers: Orphanet 3137, MedGen C5848084, MONDO:0017779.

Submission:

Myriad Genetics, Inc.
Classification: Pathogenic for Alpha-N-acetylgalactosaminidase deficiency. Last evaluated: 2026-02-17. Review status: criteria provided, single submitter. Criteria: Myriad Autosomal Dominant, Autosomal Recessive and X-Linked Classification Criteria (2023). Collection method: clinical testing. Allele origin: unknown.
Comment: NM_000262.2(NAGA):c.566G>A(W189*) is expected to be pathogenic in the context of NAGA-related disorders. This variant is predicted to lead to an abnormal or absent protein product due to the creation of a premature termination codon in NAGA, a gene where loss-of-function variants are known to be pathogenic. Please note: this variant was assessed in the context of healthy population screening.

NM_000262.3(NAGA):c.566G>A (p.Trp189Ter)

Genes: NAGA (alpha-N-acetylgalactosaminidase; minus strand), LOC126863160 (CDK7 strongly-dependent group 2 enhancer GRCh37_chr22:42462918-42464117; plus strand). Cytogenetic location: 22q13.2.
Variant type: single nucleotide variant.
Coding change: c.566G>A on transcript NM_000262.3 (MANE Select); coding-DNA position 566, G replaced by A.
Protein change: p.Trp189Ter; replaces tryptophan 189 with a stop codon.
Molecular consequence: nonsense.
Genome position (GRCh38, 1-based): chr22:42,066,741, C>T on the plus strand (G>A on the coding strand, the complement: NAGA is on the minus strand). VCF-style: chr22-42066741-C-T. GRCh37 (hg19) VCF-style: chr22-42462745-C-T.
Other names: c.566G>A, p.Trp189Ter (NM_001362848.1, NM_001362850.1); short protein forms W189*.
Identifiers: ClinVar variation 5015567 (VCV005015567.1).